The following is an entry in ClinVar:

ClinVar aggregate classification (germline): Uncertain significance (1 of 4 stars; one submission).

Conditions:
Inborn genetic diseases. Identifiers: MedGen C0950123, MeSH D030342.

Submission:

Ambry Genetics
Classification: Uncertain significance for Inborn genetic diseases. Last evaluated: 2025-05-29. Review status: criteria provided, single submitter. Criteria: Ambry Variant Classification Scheme 2023. Collection method: clinical testing. Allele origin: germline.
Comment: The p.D712E variant (also known as c.2136T>G), located in coding exon 8 of the MECOM gene, results from a T to G substitution at nucleotide position 2136. The aspartic acid at codon 712 is replaced by glutamic acid, an amino acid with highly similar properties. This amino acid position is conserved. In addition, this alteration is predicted to be tolerated by in silico analysis. Based on the available evidence, the clinical significance of this variant remains unclear.

NM_004991.4(MECOM):c.2136T>G (p.Asp712Glu)

Gene: MECOM (MDS1 and EVI1 complex locus; minus strand). Cytogenetic location: 3q26.2.
Variant type: single nucleotide variant.
Coding change: c.2136T>G on transcript NM_004991.4 (MANE Select); coding-DNA position 2136, T replaced by G.
Protein change: p.Asp712Glu; replaces aspartic acid 712 with glutamic acid.
Molecular consequence: missense variant.
Genome position (GRCh38, 1-based): chr3:169,115,736, A>C on the plus strand (T>G on the coding strand, the complement: MECOM is on the minus strand). VCF-style: chr3-169115736-A-C. GRCh37 (hg19) VCF-style: chr3-168833524-A-C.
Other names: c.1767T>G, p.Asp589Glu (NM_001105077.4); c.1572T>G, p.Asp524Glu (NM_001105078.4, NM_001164000.2, NM_001205194.2 and 4 more transcripts); c.1575T>G, p.Asp525Glu (NM_001163999.2, NM_001366467.2, NM_001366468.2 and 1 more transcripts); c.2136T>G, p.Asp712Glu (NM_001366466.2); c.1164T>G, p.Asp388Glu (NM_001366473.2); c.600T>G, p.Asp200Glu (NM_001366474.2); short protein forms D589E, D712E, D388E, D524E, D525E, D200E.
Identifiers: ClinVar variation 4053299 (VCV004053299.1).